The following is an entry in ClinVar:

ClinVar aggregate classification (germline): Uncertain significance (1 of 4 stars; one submission).

gnomAD v4.1: 1 of 1,613,886 alleles (0.000062%); highest among the groups gnomAD compares: Admixed American, 0.0017%; no homozygotes.

Submission:

Labcorp Genetics (formerly Invitae), Labcorp
Classification: Uncertain significance. Last evaluated: 2024-02-24. Review status: criteria provided, single submitter. Criteria: Invitae Variant Classification Sherloc (09022015). Collection method: clinical testing. Allele origin: germline.
Comment: This sequence change replaces cysteine, which is neutral and slightly polar, with glycine, which is neutral and non-polar, at codon 996 of the TECTA protein (p.Cys996Gly). This variant is present in population databases (no rsID available, gnomAD 0.003%). This variant has not been reported in the literature in individuals affected with TECTA-related conditions. Advanced modeling of protein sequence and biophysical properties (such as structural, functional, and spatial information, amino acid conservation, physicochemical variation, residue mobility, and thermodynamic stability) performed at Invitae indicates that this missense variant is not expected to disrupt TECTA protein function with a negative predictive value of 95%. Algorithms developed to predict the effect of sequence changes on RNA splicing suggest that this variant may create or strengthen a splice site. In summary, the available evidence is currently insufficient to determine the role of this variant in disease. Therefore, it has been classified as a Variant of Uncertain Significance.

NM_005422.4(TECTA):c.2986T>G (p.Cys996Gly)

Genes: TBCEL-TECTA (TBCEL-TECTA readthrough; plus strand), TECTA (tectorin alpha; plus strand). Cytogenetic location: 11q23.3.
Variant type: single nucleotide variant.
Coding change: c.2986T>G on transcript NM_005422.4 (MANE Select); coding-DNA position 2986, T replaced by G.
Protein change: p.Cys996Gly; replaces cysteine 996 with glycine.
Molecular consequence: missense variant.
Genome position (GRCh38, 1-based): chr11:121,137,465, T>G. VCF-style: chr11-121137465-T-G. GRCh37 (hg19) VCF-style: chr11-121008174-T-G.
Other names: c.3943T>G, p.Cys1315Gly (NM_001378761.1); short protein forms C1315G, C996G.
Identifiers: ClinVar variation 3713271 (VCV003713271.2).
Genomic context (GRCh38, chr11:121,137,465, plus strand): 5'-CCTTGACCACCTGCAGCACTGGAGTGCCCAGAGAACAGCCACTTTGAGGAGTGCATCACA[T>G]GTACAGAGACCTGTGAGACCCTTACCCTGGGCCCCATCTGCGTGGATAGCTGCTCTGAGG-3'
Protein context (NP_005413.2, residues 986-1006): ENSHFEECIT[Cys996Gly]TETCETLTLG